The following is an entry in ClinVar:

NM_000051.4(ATM):c.2756G>C (p.Arg919Thr)

Gene: ATM (ATM serine/threonine kinase; plus strand). Cytogenetic location: 11q22.3.
Variant type: single nucleotide variant.
Coding change: c.2756G>C on transcript NM_000051.4 (MANE Select); coding-DNA position 2756, G replaced by C.
Protein change: p.Arg919Thr; replaces arginine 919 with threonine.
Molecular consequence: missense variant.
Genome position (GRCh38, 1-based): chr11:108,268,527, G>C. VCF-style: chr11-108268527-G-C. GRCh37 (hg19) VCF-style: chr11-108139254-G-C.
Other names: c.2756G>C, p.Arg919Thr (NM_001351834.2); short protein forms R919T.
Identifiers: ClinVar variation 3232661 (VCV003232661.3), dbSNP rs2135525539, ClinGen allele CA382545451.

ClinVar aggregate classification (germline): Uncertain significance. Review status: criteria provided, multiple submitters, no conflicts (2 of 4 stars). 2 submissions from 2 submitters: Uncertain significance (2). Last evaluated 2024-09-18.

Conditions:
Ataxia-telangiectasia syndrome (AT). Also called: ATAXIA-TELANGIECTASIA, COMPLEMENTATION GROUP A; Ataxia-telangiectasia, complementation group E; Cerebello-oculocutaneous telangiectasia; Immunodeficiency with ataxia telangiectasia; LOUIS-BAR SYNDROME; ATAXIA-TELANGIECTASIA, FRESNO VARIANT. Identifiers: Orphanet 100, MedGen C0004135, MONDO:0008840, OMIM 208900.
Hereditary cancer-predisposing syndrome. Also called: Hereditary Cancer Syndrome; Tumor predisposition; Neoplastic Syndromes, Hereditary; Hereditary neoplastic syndrome. Identifiers: Orphanet 140162, MedGen C0027672, MeSH D009386, MONDO:0015356.

Submissions (2):

Labcorp Genetics (formerly Invitae), Labcorp
Classification: Uncertain significance for Ataxia-telangiectasia syndrome. Last evaluated: 2024-09-18. Review status: criteria provided, single submitter. Criteria: Invitae Variant Classification Sherloc (09022015). Collection method: clinical testing. Allele origin: germline.
Comment: This sequence change replaces arginine, which is basic and polar, with threonine, which is neutral and polar, at codon 919 of the ATM protein (p.Arg919Thr). This variant is not present in population databases (gnomAD no frequency). This variant has not been reported in the literature in individuals affected with ATM-related conditions. An algorithm developed to predict the effect of missense changes on protein structure and function (PolyPhen-2) suggests that this variant is likely to be disruptive. In summary, the available evidence is currently insufficient to determine the role of this variant in disease. Therefore, it has been classified as a Variant of Uncertain Significance.

Ambry Genetics
Classification: Uncertain significance for Hereditary cancer-predisposing syndrome. Last evaluated: 2023-02-02. Review status: criteria provided, single submitter. Criteria: Ambry Variant Classification Scheme 2023. Collection method: clinical testing. Allele origin: germline.
Comment: The p.R919T variant (also known as c.2756G>C), located in coding exon 17 of the ATM gene, results from a G to C substitution at nucleotide position 2756. The arginine at codon 919 is replaced by threonine, an amino acid with similar properties. This amino acid position is highly conserved in available vertebrate species. In addition, this alteration is predicted to be deleterious by in silico analysis. Since supporting evidence is limited at this time, the clinical significance of this alteration remains unclear.